The following is an entry in ClinVar:

NM_002972.4(SBF1):c.2860C>T (p.Arg954Cys)

Gene: SBF1 (SET binding factor 1; minus strand). Cytogenetic location: 22q13.33.
Variant type: single nucleotide variant.
Coding change: c.2860C>T on transcript NM_002972.4 (MANE Select); coding-DNA position 2860, C replaced by T.
Protein change: p.Arg954Cys; replaces arginine 954 with cysteine.
Molecular consequence: missense variant.
Genome position (GRCh38, 1-based): chr22:50,461,266, G>A on the plus strand (C>T on the coding strand, the complement: SBF1 is on the minus strand). VCF-style: chr22-50461266-G-A. GRCh37 (hg19) VCF-style: chr22-50899695-G-A.
Other names: c.2863C>T, p.Arg955Cys (NM_001365819.1, NM_001410794.1); c.2860C>T, p.Arg954Cys (NM_001410795.1, NM_197971.1); c.2860C>T (NM_002972.2); short protein forms R954C, R955C.
Identifiers: ClinVar variation 1896828 (VCV001896828.6), dbSNP rs755612597, ClinGen allele CA10316992.

ClinVar aggregate classification (germline): Uncertain significance. Review status: criteria provided, multiple submitters, no conflicts (2 of 4 stars). 2 submissions from 2 submitters: Uncertain significance (2). Last evaluated 2024-12-20.

Allele frequency attached by ClinVar (database versions not stated): gnomAD exomes below 0.00001; ExAC 0.00001.
gnomAD v4.1: 5 of 1,608,550 alleles (0.00031%); highest among the groups gnomAD compares: South Asian, 0.0022%; no homozygotes.

Submissions (2):

Ambry Genetics
Classification: Uncertain significance. Last evaluated: 2024-12-20. Review status: criteria provided, single submitter. Criteria: Ambry Variant Classification Scheme 2023. Collection method: clinical testing. Allele origin: germline.

Labcorp Genetics (formerly Invitae), Labcorp
Classification: Uncertain significance. Last evaluated: 2022-05-10. Review status: criteria provided, single submitter. Criteria: Invitae Variant Classification Sherloc (09022015). Collection method: clinical testing. Allele origin: germline.
Comment: This variant has not been reported in the literature in individuals affected with SBF1-related conditions. The frequency data for this variant in the population databases is considered unreliable, as metrics indicate poor data quality at this position in the gnomAD database. This sequence change replaces arginine, which is basic and polar, with cysteine, which is neutral and slightly polar, at codon 954 of the SBF1 protein (p.Arg954Cys). Algorithms developed to predict the effect of missense changes on protein structure and function are either unavailable or do not agree on the potential impact of this missense change (SIFT: "Deleterious"; PolyPhen-2: "Probably Damaging"; Align-GVGD: "Class C0"). In summary, the available evidence is currently insufficient to determine the role of this variant in disease. Therefore, it has been classified as a Variant of Uncertain Significance.